The following is an entry in ClinVar:

NM_020843.4(SCAPER):c.4059G>C (p.Gln1353His)

Gene: SCAPER (S-phase cyclin A associated protein in the ER; minus strand). Cytogenetic location: 15q24.3.
Variant type: single nucleotide variant.
Coding change: c.4059G>C on transcript NM_020843.4 (MANE Select); coding-DNA position 4059, G replaced by C.
Protein change: p.Gln1353His; replaces glutamine 1353 with histidine.
Molecular consequence: missense variant. On other transcripts: non-coding transcript variant (1).
Genome position (GRCh38, 1-based): chr15:76,351,277, C>G on the plus strand (G>C on the coding strand, the complement: SCAPER is on the minus strand). VCF-style: chr15-76351277-C-G. GRCh37 (hg19) VCF-style: chr15-76643618-C-G.
Other names: c.3321G>C, p.Gln1107His (NM_001145923.2); c.4077G>C, p.Gln1359His (NM_001353009.2); c.3657G>C, p.Gln1219His (NM_001353010.2, NM_001353012.2); c.3675G>C, p.Gln1225His (NM_001353011.2); c.4077G>C (NM_001353009.1); short protein forms Q1353H, Q1359H, Q1225H, Q1107H, Q1219H.
Identifiers: ClinVar variation 2377594 (VCV002377594.5), dbSNP rs200805095, ClinGen allele CA7674273.

ClinVar aggregate classification (germline): Uncertain significance. Review status: criteria provided, multiple submitters, no conflicts (2 of 4 stars). 3 submissions from 3 submitters: Uncertain significance (3). Last evaluated 2025-06-11.

Conditions:
SCAPER-related disorder. Also called: SCAPER-related condition.
Inborn genetic diseases. Identifiers: MedGen C0950123, MeSH D030342.

Allele frequency attached by ClinVar (database versions not stated): gnomAD 0.00007; TOPMed 0.00007; ESP Exome Variant Server 0.00008; ExAC 0.00009; gnomAD exomes 0.00009.
gnomAD v4.1: 136 of 1,609,816 alleles (0.0084%); highest among the groups gnomAD compares: Non-Finnish European, 0.011%; no homozygotes.

Submissions (3):

GeneDx
Classification: Uncertain significance. Last evaluated: 2025-06-11. Review status: criteria provided, single submitter. Criteria: GeneDx Variant Classification Process June 2021. Collection method: clinical testing. Allele origin: germline. Affected: yes.
Comment: In silico analysis suggests that this missense variant does not alter protein structure/function; Has not been previously published as pathogenic or benign to our knowledge

PreventionGenetics, part of Exact Sciences
Classification: Uncertain significance for SCAPER-related condition. Last evaluated: 2025-01-15. Review status: criteria provided, single submitter. Criteria: ACMG Guidelines, 2015. Collection method: clinical testing. Allele origin: germline.
Comment: The SCAPER c.4077G>C variant is predicted to result in the amino acid substitution p.Gln1359His. To our knowledge, this variant has not been reported in the literature. This variant is reported in 0.012% of alleles in individuals of European (Non-Finnish) descent in gnomAD. At this time, the clinical significance of this variant is uncertain due to the absence of conclusive functional and genetic evidence.

Ambry Genetics
Classification: Uncertain significance for Inborn genetic diseases. Last evaluated: 2024-10-16. Review status: criteria provided, single submitter. Criteria: Ambry Variant Classification Scheme 2023. Collection method: clinical testing. Allele origin: germline.